The following is an entry in ClinVar:

NM_000548.5(TSC2):c.5416T>C (p.Phe1806Leu)

Gene: TSC2 (TSC complex subunit 2; plus strand). Cytogenetic location: 16p13.3.
Variant type: single nucleotide variant.
Coding change: c.5416T>C on transcript NM_000548.5 (MANE Select); coding-DNA position 5416, T replaced by C.
Protein change: p.Phe1806Leu; replaces phenylalanine 1806 with leucine.
Molecular consequence: missense variant.
Genome position (GRCh38, 1-based): chr16:2,088,602, T>C. VCF-style: chr16-2088602-T-C. GRCh37 (hg19) VCF-style: chr16-2138603-T-C.
Other names: c.5215T>C, p.Phe1739Leu (NM_001077183.3); c.5347T>C, p.Phe1783Leu (NM_001114382.3); c.5107T>C, p.Phe1703Leu (NM_001318827.2); c.5071T>C, p.Phe1691Leu (NM_001318829.2); c.4684T>C, p.Phe1562Leu (NM_001318831.2); c.5248T>C, p.Phe1750Leu (NM_001318832.2); c.5218T>C, p.Phe1740Leu (NM_001363528.2); c.5284T>C, p.Phe1762Leu (NM_001370404.1); and 2 more; short protein forms F1806L, F1562L, F1739L, F1759L, F1740L, F1762L, F1763L, F1691L.
Identifiers: ClinVar variation 405942 (VCV000405942.10), dbSNP rs1060500910, ClinGen allele CA16615055.

ClinVar aggregate classification (germline): Conflicting classifications of pathogenicity. Review status: criteria provided, conflicting classifications (1 of 4 stars). 3 submissions from 3 submitters: Uncertain significance (2); Likely benign (1). Last evaluated 2025-06-09.

Conditions:
Hereditary cancer-predisposing syndrome. Also called: Tumor predisposition; Neoplastic Syndromes, Hereditary; Hereditary Cancer Syndrome; Hereditary neoplastic syndrome. Identifiers: Orphanet 140162, MedGen C0027672, MeSH D009386, MONDO:0015356.
Tuberous sclerosis 2 (TSC2). Identifiers: Orphanet 805, MedGen C1860707, MONDO:0013199, OMIM 613254.

Allele frequency attached by ClinVar (database versions not stated): gnomAD exomes 0.00001.
gnomAD v4.1: 19 of 1,604,196 alleles (0.0012%); highest among the groups gnomAD compares: Non-Finnish European, 0.0015%; no homozygotes.

Submissions (3):

Myriad Genetics, Inc.
Classification: Likely benign for Tuberous sclerosis 2. Last evaluated: 2025-06-09. Review status: criteria provided, single submitter. Criteria: Myriad Autosomal Dominant, Autosomal Recessive and X-Linked Classification Criteria (2023). Collection method: clinical testing. Allele origin: unknown.
Comment: This variant is considered likely benign. This variant has been observed at a population frequency that is significantly greater than expected given the associated disease prevalence and penetrance.

Labcorp Genetics (formerly Invitae), Labcorp
Classification: Uncertain significance for Tuberous sclerosis 2. Last evaluated: 2025-05-04. Review status: criteria provided, single submitter. Criteria: Invitae Variant Classification Sherloc (09022015). Collection method: clinical testing. Allele origin: germline.
Comment: This sequence change replaces phenylalanine, which is neutral and non-polar, with leucine, which is neutral and non-polar, at codon 1806 of the TSC2 protein (p.Phe1806Leu). This variant is present in population databases (no rsID available, gnomAD 0.002%). This variant has not been reported in the literature in individuals affected with TSC2-related conditions. ClinVar contains an entry for this variant (Variation ID: 405942). Invitae Evidence Modeling of protein sequence and biophysical properties (such as structural, functional, and spatial information, amino acid conservation, physicochemical variation, residue mobility, and thermodynamic stability) indicates that this missense variant is not expected to disrupt TSC2 protein function with a negative predictive value of 95%. In summary, the available evidence is currently insufficient to determine the role of this variant in disease. Therefore, it has been classified as a Variant of Uncertain Significance.

Ambry Genetics
Classification: Uncertain significance for Hereditary cancer-predisposing syndrome. Last evaluated: 2021-06-02. Review status: criteria provided, single submitter. Criteria: Ambry Variant Classification Scheme 2023. Collection method: clinical testing. Allele origin: germline.
Comment: The p.F1806L variant (also known as c.5416T>C), located in coding exon 41 of the TSC2 gene, results from a T to C substitution at nucleotide position 5416. The phenylalanine at codon 1806 is replaced by leucine, an amino acid with highly similar properties. This amino acid position is highly conserved in available vertebrate species. In addition, this alteration is predicted to be deleterious by in silico analysis. Since supporting evidence is limited at this time, the clinical significance of this alteration remains unclear.